The following is an entry in ClinVar:

ClinVar aggregate classification (germline): Uncertain significance. Review status: criteria provided, multiple submitters, no conflicts (2 of 4 stars). 2 submissions from 2 submitters: Uncertain significance (2). Last evaluated 2025-09-25.

Conditions:
Corneal dystrophy. Identifiers: Orphanet 34533, MedGen C0010036, MONDO:0018102, HP:0001131.
SLC4A11-related disorder. Also called: SLC4A11-related condition.

Allele frequency attached by ClinVar (database versions not stated): ExAC 0.00002; gnomAD 0.00002; TOPMed 0.00002; gnomAD exomes 0.00004 and 0.00006.
gnomAD v4.1: 95 of 1,613,346 alleles (0.0059%); highest among the groups gnomAD compares: Non-Finnish European, 0.0072%; no homozygotes.

Submissions (2):

PreventionGenetics, part of Exact Sciences
Classification: Uncertain significance for SLC4A11-related condition. Last evaluated: 2025-09-25. Review status: criteria provided, single submitter. Criteria: ACMG Guidelines, 2015. Collection method: clinical testing. Allele origin: germline.
Comment: The SLC4A11 c.1469C>T variant is predicted to result in the amino acid substitution p.Thr490Met. To our knowledge, this variant has not been reported in the literature. This variant is reported in 0.0098% of alleles in individuals of South Asian descent in gnomAD. At this time, the clinical significance of this variant is uncertain due to the absence of conclusive functional and genetic evidence.

Illumina Laboratory Services, Illumina
Classification: Uncertain significance for Corneal dystrophy. Last evaluated: 2017-04-27. Review status: criteria provided, single submitter. Criteria: ICSL Variant Classification Criteria 13 December 2019. Collection method: clinical testing. Allele origin: germline.

NM_001174089.2(SLC4A11):c.1421C>T (p.Thr474Met)

Gene: SLC4A11 (solute carrier family 4 member 11; minus strand). Cytogenetic location: 20p13.
Variant type: single nucleotide variant.
Coding change: c.1421C>T on transcript NM_001174089.2 (MANE Select); coding-DNA position 1421, C replaced by T.
Protein change: p.Thr474Met; replaces threonine 474 with methionine.
Molecular consequence: missense variant. On other transcripts: non-coding transcript variant (1).
Genome position (GRCh38, 1-based): chr20:3,230,255, G>A on the plus strand (C>T on the coding strand, the complement: SLC4A11 is on the minus strand). VCF-style: chr20-3230255-G-A. GRCh37 (hg19) VCF-style: chr20-3210901-G-A.
Other names: c.1550C>T, p.Thr517Met (NM_001174090.2); c.1307C>T, p.Thr436Met (NM_001363745.2); c.1469C>T, p.Thr490Met (NM_032034.4); short protein forms T474M, T517M, T490M, T436M.
Identifiers: ClinVar variation 895119 (VCV000895119.5), dbSNP rs768052263, ClinGen allele CA9741845.